The following is an entry in ClinVar:

NM_004336.5(BUB1):c.784C>T (p.Arg262Trp)

Gene: BUB1 (BUB1 mitotic checkpoint serine/threonine kinase; minus strand). Cytogenetic location: 2q13.
Variant type: single nucleotide variant.
Coding change: c.784C>T on transcript NM_004336.5 (MANE Select); coding-DNA position 784, C replaced by T.
Protein change: p.Arg262Trp; replaces arginine 262 with tryptophan.
Molecular consequence: missense variant.
Genome position (GRCh38, 1-based): chr2:110,667,542, G>A on the plus strand (C>T on the coding strand, the complement: BUB1 is on the minus strand). VCF-style: chr2-110667542-G-A. GRCh37 (hg19) VCF-style: chr2-111425119-G-A.
Other names: c.724C>T, p.Arg242Trp (NM_001278616.2); c.784C>T, p.Arg262Trp (NM_001278617.2); short protein forms R262W, R242W.
Identifiers: ClinVar variation 1760881 (VCV001760881.4), dbSNP rs780648789, ClinGen allele CA1828254.

ClinVar aggregate classification (germline): Uncertain significance. Review status: criteria provided, multiple submitters, no conflicts (2 of 4 stars). 2 submissions from 2 submitters: Uncertain significance (2). Last evaluated 2024-07-30.

Allele frequency attached by ClinVar (database versions not stated): ExAC 0.00001; gnomAD 0.00001; TOPMed 0.00002.

Submissions (2):

Labcorp Genetics (formerly Invitae), Labcorp
Classification: Uncertain significance. Last evaluated: 2024-07-30. Review status: criteria provided, single submitter. Criteria: Invitae Variant Classification Sherloc (09022015). Collection method: clinical testing. Allele origin: germline.
Comment: This sequence change replaces arginine, which is basic and polar, with tryptophan, which is neutral and slightly polar, at codon 262 of the BUB1 protein (p.Arg262Trp). This variant is present in population databases (rs780648789, gnomAD 0.004%). This variant has not been reported in the literature in individuals affected with BUB1-related conditions. ClinVar contains an entry for this variant (Variation ID: 1760881). Experimental studies and prediction algorithms are not available or were not evaluated, and the functional significance of this variant is currently unknown. In summary, the available evidence is currently insufficient to determine the role of this variant in disease. Therefore, it has been classified as a Variant of Uncertain Significance.

Ambry Genetics
Classification: Uncertain significance. Last evaluated: 2023-10-06. Review status: criteria provided, single submitter. Criteria: Ambry Variant Classification Scheme 2023. Collection method: clinical testing. Allele origin: germline.
Comment: The p.R262W variant (also known as c.784C>T), located in coding exon 8 of the BUB1 gene, results from a C to T substitution at nucleotide position 784. The arginine at codon 262 is replaced by tryptophan, an amino acid with dissimilar properties. This amino acid position is conserved. In addition, this alteration is predicted to be tolerated by in silico analysis. Since supporting evidence is limited at this time, the clinical significance of this alteration remains unclear.